The following is an entry in ClinVar:

ClinVar aggregate classification (germline): Uncertain significance (1 of 4 stars; one submission).

Conditions:
RYR1-related disorder. Also called: RYR1-related condition; RYR1-related disorders. Identifiers: MedGen CN239331.

Submission:

Labcorp Genetics (formerly Invitae), Labcorp
Classification: Uncertain significance for RYR1-related disorder. Last evaluated: 2023-09-13. Review status: criteria provided, single submitter. Criteria: Invitae Variant Classification Sherloc (09022015). Collection method: clinical testing. Allele origin: germline.
Comment: In summary, the available evidence is currently insufficient to determine the role of this variant in disease. Therefore, it has been classified as a Variant of Uncertain Significance. Variants that disrupt the consensus splice site are a relatively common cause of aberrant splicing (PMID: 17576681, 9536098). Algorithms developed to predict the effect of sequence changes on RNA splicing suggest that this variant is not likely to affect RNA splicing. This variant has not been reported in the literature in individuals affected with RYR1-related conditions. This variant is not present in population databases (gnomAD no frequency). This sequence change falls in intron 8 of the RYR1 gene. It does not directly change the encoded amino acid sequence of the RYR1 protein. It affects a nucleotide within the consensus splice site.

Literature cited by the submitters: PubMed 17576681; PubMed 9536098.

NM_000540.3(RYR1):c.725+5G>A

Gene: RYR1 (ryanodine receptor 1; plus strand). Cytogenetic location: 19q13.2.
Variant type: single nucleotide variant.
Coding change: c.725+5G>A on transcript NM_000540.3 (MANE Select); 5 bases into the intron after coding-DNA position 725, G replaced by A.
Molecular consequence: intron variant.
Genome position (GRCh38, 1-based): chr19:38,446,570, G>A. VCF-style: chr19-38446570-G-A. GRCh37 (hg19) VCF-style: chr19-38937210-G-A.
Other names: c.725+5G>A (NM_001042723.2).
Identifiers: ClinVar variation 2853851 (VCV002853851.3), dbSNP rs2513987047, ClinGen allele CA2739276727.
Genomic context (GRCh38, chr19:38,446,570, plus strand): 5'-GGACATATGGATGAGTGTCTGACCATTTCCCCTGCTGACAGTGATGACCAGCGCAGGTCT[G>A]GGCTGTGGACGAGAGGGCCTGGGGTCTAGGGGTGGACGTGGAGGGCTGGGACCCTATGAG-3'